The following is an entry in ClinVar:

ClinVar aggregate classification (germline): Uncertain significance (1 of 4 stars; one submission).

Conditions:
Inborn genetic diseases. Identifiers: MedGen C0950123, MeSH D030342.

Submission:

Ambry Genetics
Classification: Uncertain significance for Inborn genetic diseases. Last evaluated: 2025-12-09. Review status: criteria provided, single submitter. Criteria: Ambry Variant Classification Scheme 2023. Collection method: clinical testing. Allele origin: germline.
Comment: The p.D138E variant (also known as c.414T>G), located in coding exon 3 of the MECOM gene, results from a T to G substitution at nucleotide position 414. The aspartic acid at codon 138 is replaced by glutamic acid, an amino acid with highly similar properties. This amino acid position is conserved. In addition, this alteration is predicted to be tolerated by in silico analysis. Based on the available evidence, the clinical significance of this variant remains unclear.

NM_004991.4(MECOM):c.414T>G (p.Asp138Glu)

Gene: MECOM (MDS1 and EVI1 complex locus; minus strand). Cytogenetic location: 3q26.2.
Variant type: single nucleotide variant.
Coding change: c.414T>G on transcript NM_004991.4 (MANE Select); coding-DNA position 414, T replaced by G.
Protein change: p.Asp138Glu; replaces aspartic acid 138 with glutamic acid.
Molecular consequence: missense variant. On other transcripts: 5 prime UTR variant (12).
Genome position (GRCh38, 1-based): chr3:169,143,794, A>C on the plus strand (T>G on the coding strand, the complement: MECOM is on the minus strand). VCF-style: chr3-169143794-A-C. GRCh37 (hg19) VCF-style: chr3-168861582-A-C.
Other names: c.42T>G, p.Asp14Glu (NM_001105077.4); c.-151T>G (NM_001105078.4, NM_001163999.2, NM_001164000.2 and 9 more transcripts); c.414T>G, p.Asp138Glu (NM_001366466.2, NM_001366473.2); short protein forms D14E, D138E.
Identifiers: ClinVar variation 4624743 (VCV004624743.1).